The following is an entry in ClinVar:

NM_001349.4(DARS1):c.1285G>A (p.Ala429Thr)

Gene: DARS1 (aspartyl-tRNA synthetase 1; minus strand). Cytogenetic location: 2q21.3.
Variant type: single nucleotide variant.
Coding change: c.1285G>A on transcript NM_001349.4 (MANE Select); coding-DNA position 1285, G replaced by A.
Protein change: p.Ala429Thr; replaces alanine 429 with threonine.
Molecular consequence: missense variant.
Genome position (GRCh38, 1-based): chr2:135,911,439, C>T on the plus strand (G>A on the coding strand, the complement: DARS1 is on the minus strand). VCF-style: chr2-135911439-C-T. GRCh37 (hg19) VCF-style: chr2-136669009-C-T.
Other names: c.985G>A, p.Ala329Thr (NM_001293312.1); c.1285G>A (NM_001349.2); short protein forms A429T, A329T.
Identifiers: ClinVar variation 2179121 (VCV002179121.2), dbSNP rs764550705, ClinGen allele CA348607654.
Genomic context (GRCh38, chr2:135,911,439, plus strand): 5'-TACCAATTCCATGATGTAAAGCTCTCTCTGTTAGCAGTTGAGGATCATGTATTCTTTGAG[C>T]TCCTGACAATATTTCTTCTCCTCTCATGAACATATCGTAAGAGTTGGACTGTTTCTGCAA-3'
Protein context (NP_001340.2, residues 419-439): FMRGEEILSG[Ala429Thr]QRIHDPQLLT

ClinVar aggregate classification (germline): Uncertain significance. Review status: criteria provided, multiple submitters, no conflicts (2 of 4 stars). 2 submissions from 2 submitters: Uncertain significance (2). Last evaluated 2023-01-18.

Allele frequency attached by ClinVar (database versions not stated): TOPMed 0.00001; gnomAD 0.00002.
gnomAD v4.1: 14 of 1,117,134 alleles (0.0013%); highest among the groups gnomAD compares: African/African-American, 0.0076%; no homozygotes.

Submissions (2):

GeneDx
Classification: Uncertain significance. Last evaluated: 2023-01-18. Review status: criteria provided, single submitter. Criteria: GeneDx Variant Classification Process June 2021. Collection method: clinical testing. Allele origin: germline. Affected: yes.
Comment: Not observed at significant frequency in large population cohorts (gnomAD); In silico analysis supports that this missense variant has a deleterious effect on protein structure/function; Has not been previously published as pathogenic or benign to our knowledge

Labcorp Genetics (formerly Invitae), Labcorp
Classification: Uncertain significance. Last evaluated: 2022-10-21. Review status: criteria provided, single submitter. Criteria: Invitae Variant Classification Sherloc (09022015). Collection method: clinical testing. Allele origin: germline.
Comment: This sequence change replaces alanine, which is neutral and non-polar, with threonine, which is neutral and polar, at codon 429 of the DARS protein (p.Ala429Thr). This variant is not present in population databases (gnomAD no frequency). This variant has not been reported in the literature in individuals affected with DARS-related conditions. Advanced modeling of protein sequence and biophysical properties (such as structural, functional, and spatial information, amino acid conservation, physicochemical variation, residue mobility, and thermodynamic stability) performed at Invitae indicates that this missense variant is expected to disrupt DARS protein function. In summary, the available evidence is currently insufficient to determine the role of this variant in disease. Therefore, it has been classified as a Variant of Uncertain Significance.